The following is an entry in ClinVar:

ClinVar aggregate classification (germline): Likely pathogenic. Review status: criteria provided, multiple submitters, no conflicts (2 of 4 stars). 3 submissions from 3 submitters: Likely pathogenic (3). Last evaluated 2025-07-14.

Conditions:
Anauxetic dysplasia. Identifiers: Orphanet 93347, MedGen C1846796, MONDO:0011773.
Metaphyseal chondrodysplasia, McKusick type (CHH). Also called: Cartilage-hair hypoplasia; Cartilage-Hair Hypoplasia (CHH). Identifiers: Orphanet 175, MedGen C0220748, MONDO:0009595, OMIM 250250.

Submissions (3):

Natera, Inc.
Classification: Likely pathogenic for Cartilage-hair hypoplasia. Last evaluated: 2025-07-14. Review status: criteria provided, single submitter. Criteria: Natera Variant Classification Schema (03/2026). Collection method: clinical testing. Allele origin: germline.
Comment: The n.-18_-17insACCTACTC variant in RMRP is an insertion affecting the RMRP promoter region between the TATA box and the transcription initiation site. Other duplications and insertions just upstream of the transcription initiation site have been reported in individuals affected with cartilage-hair hypoplasia (PMID: 11207361, 17937437). This variant is rare in the general population with a frequency below the threshold expected for the associated phenotype(s). Given the available evidence, this variant is classified as Likely pathogenic.

Labcorp Genetics (formerly Invitae), Labcorp
Classification: Likely pathogenic for Anauxetic dysplasia. Last evaluated: 2024-12-17. Review status: criteria provided, single submitter. Criteria: Invitae Variant Classification Sherloc (09022015). Collection method: clinical testing. Allele origin: germline.
Comment: This variant occurs in the RMRP gene, which encodes an RNA molecule that does not result in a protein product. The frequency data for this variant in the population databases is considered unreliable, as metrics indicate poor data quality at this position in the gnomAD database. While this particular variant has not been reported in the literature, it is located in the promoter region between the TATA box and the transcription initiation site, and other insertions and duplications immediately upstream of the coding sequence have been reported in individuals affected with cartilage-hair hypoplasia-anauxetic dysplasia (CHH-AD) spectrum disorders (PMID: 16244706, 11207361, 12107819). While functional studies for this variant have not been reported, experimental analyses using patient derived cells, as well as in vitro transfection studies, have shown that promoter insertions result in silencing of RMRP transcription and reduced expression of the gene product (PMID: 11207361, 16254002). In summary, the currently available evidence indicates that the variant is pathogenic, but additional data are needed to prove that conclusively. Therefore, this variant has been classified as Likely Pathogenic.

Women's Health and Genetics/Laboratory Corporation of America, LabCorp
Classification: Likely pathogenic for Metaphyseal chondrodysplasia, McKusick type. Last evaluated: 2024-05-09. Review status: criteria provided, single submitter. Criteria: LabCorp Variant Classification Summary - May 2015. Collection method: clinical testing. Allele origin: germline.
Comment: Variant summary: RMRP n.-18_-17insACCTACTC is located in the promoter region of the RMRP gene which is located between the TATA box (at position -33 to -25) and the transcription initiation site (at +1). Other insertions or duplications in the promoter region of RMRP have been classified as pathogenic (internally and in ClinVar). The variant was absent in 127922 control chromosomes. To our knowledge, no occurrence of n.-18_-17insACCTACTC in individuals affected with Cartilage-Hair Hypoplasia and no experimental evidence demonstrating its impact on protein function have been reported. Many other insertions or duplications in the promoter region of RMRP have been reported in affected individuals in the literature (e.g. PMIDs: 21956908, 21396580) and have been demonstrated through functional studies to lead to reduced RMRP transcription (e.g. PMIDs: 11207361, 16254002). ClinVar contains an entry for this variant (Variation ID: 1489133). Based on the evidence outlined above, the variant was classified as likely pathogenic.

Literature cited by the submitters: PubMed 11207361 (cited by Natera, Inc. and Labcorp Genetics (formerly Invitae), Labcorp); PubMed 17937437 (cited by Natera, Inc.); PubMed 16244706 (cited by Labcorp Genetics (formerly Invitae), Labcorp); PubMed 12107819 (cited by Labcorp Genetics (formerly Invitae), Labcorp); PubMed 16254002 (cited by Labcorp Genetics (formerly Invitae), Labcorp).

NR_003051.3(RMRP):n.-18_-17insACCTACTC

Gene: RMRP (RNA component of mitochondrial RNA processing endoribonuclease; minus strand). Cytogenetic location: 9p13.3.
Variant type: Insertion.
Genome position: GRCh38 VCF-style: chr9-35658035-A-AGAGTAGGT. GRCh37 (hg19) VCF-style: chr9-35658032-A-AGAGTAGGT.
Identifiers: ClinVar variation 1489133 (VCV001489133.7), dbSNP rs930432793, ClinGen allele CA192745770.